The following is an entry in ClinVar:

NM_001282933.2(ZNF341):c.572C>T (p.Pro191Leu)

Gene: ZNF341 (zinc finger protein 341; plus strand). Cytogenetic location: 20q11.22.
Variant type: single nucleotide variant.
Coding change: c.572C>T on transcript NM_001282933.2 (MANE Select); coding-DNA position 572, C replaced by T.
Protein change: p.Pro191Leu; replaces proline 191 with leucine.
Molecular consequence: missense variant. On other transcripts: non-coding transcript variant (1).
Genome position (GRCh38, 1-based): chr20:33,753,254, C>T. VCF-style: chr20-33753254-C-T. GRCh37 (hg19) VCF-style: chr20-32341060-C-T.
Other names: c.302C>T, p.Pro101Leu (NM_001282935.2); c.572C>T, p.Pro191Leu (NM_032819.5); short protein forms P101L, P191L.
Identifiers: ClinVar variation 1426693 (VCV001426693.6), dbSNP rs888023688, ClinGen allele CA313336167.

ClinVar aggregate classification (germline): Uncertain significance (1 of 4 stars; one submission).

Allele frequency attached by ClinVar (database versions not stated): gnomAD exomes 0.00001; TOPMed 0.00002; gnomAD 0.00003 and 0.00004.
gnomAD v4.1: 16 of 1,611,682 alleles (0.00099%); highest among the groups gnomAD compares: Non-Finnish European, 0.0012%; no homozygotes.

Submission:

Labcorp Genetics (formerly Invitae), Labcorp
Classification: Uncertain significance. Last evaluated: 2023-08-10. Review status: criteria provided, single submitter. Criteria: Invitae Variant Classification Sherloc (09022015). Collection method: clinical testing. Allele origin: germline.
Comment: In summary, the available evidence is currently insufficient to determine the role of this variant in disease. Therefore, it has been classified as a Variant of Uncertain Significance. An algorithm developed to predict the effect of missense changes on protein structure and function (PolyPhen-2) suggests that this variant is likely to be tolerated. ClinVar contains an entry for this variant (Variation ID: 1426693). This variant has not been reported in the literature in individuals affected with ZNF341-related conditions. The frequency data for this variant in the population databases is considered unreliable, as metrics indicate poor data quality at this position in the gnomAD database. This sequence change replaces proline, which is neutral and non-polar, with leucine, which is neutral and non-polar, at codon 191 of the ZNF341 protein (p.Pro191Leu).